The following is an entry in ClinVar:

NM_001379500.1(COL18A1):c.107-11671G>T

Gene: COL18A1 (collagen type XVIII alpha 1 chain; plus strand). Cytogenetic location: 21q22.3.
Variant type: single nucleotide variant.
Coding change: c.107-11671G>T on transcript NM_001379500.1 (MANE Select); 11671 bases into the intron before coding-DNA position 107, G replaced by T.
Molecular consequence: intron variant. On other transcripts: synonymous variant (1).
Genome position (GRCh38, 1-based): chr21:45,456,571, G>T. VCF-style: chr21-45456571-G-T. GRCh37 (hg19) VCF-style: chr21-46876485-G-T.
Other names: c.1041G>T (NM_130444.2); c.1041G>T, p.Leu347= (NM_130444.3); c.646+395G>T (NM_030582.4).
Identifiers: ClinVar variation 1176434 (VCV001176434.38), dbSNP rs536492922, ClinGen allele CA10065612.

ClinVar aggregate classification (germline): Likely benign. Review status: criteria provided, multiple submitters, no conflicts (2 of 4 stars). 4 submissions from 4 submitters: Likely benign (3). 1 of the submissions does not count toward it. Last evaluated 2025-04-01.

Conditions:
COL18A1-related disorder. Also called: COL18A1-related disorders; COL18A1-related condition.

Allele frequency attached by ClinVar (database versions not stated): 1000 Genomes Project 0.00020; 1000 Genomes Project 30x 0.00031; TOPMed 0.00057; gnomAD exomes 0.00060; gnomAD 0.00067 and 0.00068; ExAC 0.00126.
gnomAD v4.1: 1,565 of 1,545,202 alleles (0.1%); highest among the groups gnomAD compares: Non-Finnish European, 0.12%; 3 homozygotes.

Submissions (4):

CeGaT Center for Human Genetics Tuebingen
Classification: Likely benign. Last evaluated: 2025-04-01. Review status: criteria provided, single submitter. Criteria: CeGaT Center For Human Genetics Tuebingen Variant Classification Criteria Version 2. Collection method: clinical testing. Allele origin: germline. Affected: yes. Observed: 2 variant alleles.
Comment: COL18A1: BP4

Blueprint Genetics
Classification: Likely benign. Last evaluated: 2024-11-21. Review status: criteria provided, single submitter. Criteria: ACMG Guidelines, 2015. Collection method: clinical testing. Allele origin: germline.

Breakthrough Genomics
Classification: Likely benign. Review status: criteria provided, single submitter. Criteria: ACMG Guidelines, 2015. Collection method: not provided. Allele origin: germline. Inheritance: Autosomal recessive inheritance. Affected: yes.

PreventionGenetics, part of Exact Sciences
Classification: Likely benign for COL18A1-related condition. Last evaluated: 2019-08-28. Review status: no assertion criteria provided. Collection method: clinical testing. Allele origin: germline. Not counted in ClinVar's aggregate classification.
Comment: This variant is classified as likely benign based on ACMG/AMP sequence variant interpretation guidelines (Richards et al. 2015 PMID: 25741868, with internal and published modifications).